The following is an entry in ClinVar:

ClinVar aggregate classification (germline): Uncertain significance (1 of 4 stars; one submission).

Conditions:
Congenital myasthenic syndrome 12 (CMS12). Also called: MYASTHENIC SYNDROME, CONGENITAL, WITH TUBULAR AGGREGATES 1; Myasthenia, congenital, 12, with tubular aggregates. Identifiers: Orphanet 353327, Orphanet 590, MedGen C3552335, MONDO:0012518, OMIM 610542.

Submission:

Labcorp Genetics (formerly Invitae), Labcorp
Classification: Uncertain significance for Congenital myasthenic syndrome 12. Last evaluated: 2021-06-16. Review status: criteria provided, single submitter. Criteria: Invitae Variant Classification Sherloc (09022015). Collection method: clinical testing. Allele origin: germline.
Comment: This sequence change replaces alanine with serine at codon 419 of the GFPT1 protein (p.Ala419Ser). The alanine residue is highly conserved and there is a moderate physicochemical difference between alanine and serine. This variant is not present in population databases (ExAC no frequency). In summary, the available evidence is currently insufficient to determine the role of this variant in disease. Therefore, it has been classified as a Variant of Uncertain Significance. Algorithms developed to predict the effect of missense changes on protein structure and function are either unavailable or do not agree on the potential impact of this missense change (SIFT: "Deleterious"; PolyPhen-2: "Possibly Damaging"; Align-GVGD: "Class C0"). This variant has not been reported in the literature in individuals with GFPT1-related conditions.

NM_001244710.2(GFPT1):c.1255G>T (p.Ala419Ser)

Gene: GFPT1 (glutamine--fructose-6-phosphate transaminase 1; minus strand). Cytogenetic location: 2p13.3.
Variant type: single nucleotide variant.
Coding change: c.1255G>T on transcript NM_001244710.2 (MANE Select); coding-DNA position 1255, G replaced by T.
Protein change: p.Ala419Ser; replaces alanine 419 with serine.
Molecular consequence: missense variant.
Genome position (GRCh38, 1-based): chr2:69,338,514, C>A on the plus strand (G>T on the coding strand, the complement: GFPT1 is on the minus strand). VCF-style: chr2-69338514-C-A. GRCh37 (hg19) VCF-style: chr2-69565646-C-A.
Other names: c.1201G>T, p.Ala401Ser (NM_002056.4); short protein forms A401S, A419S.
Identifiers: ClinVar variation 1361807 (VCV001361807.8), dbSNP rs2104617186, ClinGen allele CA347124958.